The following is an entry in ClinVar:

ClinVar aggregate classification (germline): Uncertain significance (1 of 4 stars; one submission).

Allele frequency attached by ClinVar (database versions not stated): gnomAD exomes below 0.00001 and 0.00001; TOPMed below 0.00001; ExAC 0.00001; gnomAD 0.00001.
gnomAD v4.1: 18 of 1,612,874 alleles (0.0011%); highest among the groups gnomAD compares: East Asian, 0.02%; 1 homozygote.

Submission:

Labcorp Genetics (formerly Invitae), Labcorp
Classification: Uncertain significance. Last evaluated: 2024-02-24. Review status: criteria provided, single submitter. Criteria: Invitae Variant Classification Sherloc (09022015). Collection method: clinical testing. Allele origin: germline.
Comment: This sequence change replaces valine, which is neutral and non-polar, with alanine, which is neutral and non-polar, at codon 142 of the SLC12A1 protein (p.Val142Ala). This variant is present in population databases (rs760304089, gnomAD 0.0009%). This variant has not been reported in the literature in individuals affected with SLC12A1-related conditions. ClinVar contains an entry for this variant (Variation ID: 1401401). An algorithm developed to predict the effect of missense changes on protein structure and function (PolyPhen-2) suggests that this variant is likely to be tolerated. In summary, the available evidence is currently insufficient to determine the role of this variant in disease. Therefore, it has been classified as a Variant of Uncertain Significance.

NM_000338.3(SLC12A1):c.425T>C (p.Val142Ala)

Gene: SLC12A1 (solute carrier family 12 member 1; plus strand). Cytogenetic location: 15q21.1.
Variant type: single nucleotide variant.
Coding change: c.425T>C on transcript NM_000338.3 (MANE Select); coding-DNA position 425, T replaced by C.
Protein change: p.Val142Ala; replaces valine 142 with alanine.
Molecular consequence: missense variant.
Genome position (GRCh38, 1-based): chr15:48,220,638, T>C. VCF-style: chr15-48220638-T-C. GRCh37 (hg19) VCF-style: chr15-48512835-T-C.
Other names: c.425T>C, p.Val142Ala (NM_001184832.2, NM_001384136.1); short protein forms V142A.
Identifiers: ClinVar variation 1401401 (VCV001401401.5), dbSNP rs760304089, ClinGen allele CA7546760.